The following is an entry in ClinVar:

ClinVar aggregate classification (germline): Benign. Review status: criteria provided, multiple submitters, no conflicts (2 of 4 stars). 7 submissions from 5 submitters: Benign (7). Last evaluated 2026-02-04.

Conditions:
Junctional epidermolysis bullosa. Identifiers: Orphanet 305, MedGen C0079301, MONDO:0017612.
Amelogenesis imperfecta type 1A. Also called: Amelogenesis imperfecta local hypoplastic; Amelogenesis imperfecta, hypoplastic type; Amelogenesis imperfecta, type IA; AMELOGENESIS IMPERFECTA, HYPOPLASTIC TYPE IA. Identifiers: Orphanet 88661, MedGen C4011403, MONDO:0007094, OMIM 104530.
Junctional epidermolysis bullosa gravis of Herlitz. Also called: EPIDERMOLYSIS BULLOSA JUNCTIONALIS, HERLITZ TYPE; EPIDERMOLYSIS BULLOSA, JUNCTIONAL, HERLITZ-PEARSON TYPE; JEB-HERLITZ TYPE; Epidermolysis Bullosa Letalis; Herlitz-type junctional epidermolysis bullosa; EPIDERMOLYSIS BULLOSA, JUNCTIONAL 1B, SEVERE. Identifiers: Orphanet 79404, MedGen C0079683, MONDO:0009182, OMIM 226700.
Junctional epidermolysis bullosa, non-Herlitz type. Also called: EPIDERMOLYSIS BULLOSA JUNCTIONALIS, DISENTIS TYPE; EPIDERMOLYSIS BULLOSA JUNCTIONALIS, NON-HERLITZ TYPE; EPIDERMOLYSIS BULLOSA JUNCTIONALIS, PROGRESSIVE; EPIDERMOLYSIS BULLOSA JUNCTIONALIS, SEVERE NONLETHAL; Adult junctional epidermolysis bullosa; Epidermolysis bullosa, junctional, non-herlitz type, somatic mosaic revertant. Identifiers: Orphanet 251393, Orphanet 79402, Orphanet 79405, Orphanet 89840, MedGen C0268374, MONDO:0009180, OMIM 226650.

Allele frequency attached by ClinVar (database versions not stated): ESP Exome Variant Server 0.01699; gnomAD 0.02743 and 0.03349; TOPMed 0.03659; gnomAD exomes 0.03879 and 0.06181; 1000 Genomes Project 0.09405; ExAC 0.05908; 1000 Genomes Project 30x 0.08869.
gnomAD v4.1: 62,372 of 1,614,000 alleles (3.9%); highest among the groups gnomAD compares: East Asian, 30%; 3,439 homozygotes.

Submissions (7):

Labcorp Genetics (formerly Invitae), Labcorp
Classification: Benign. Last evaluated: 2026-02-04. Review status: criteria provided, single submitter. Criteria: Invitae Variant Classification Sherloc (09022015). Collection method: clinical testing. Allele origin: germline.

Genome-Nilou Lab
Classification: Benign for Amelogenesis imperfecta type 1A. Last evaluated: 2021-07-08. Review status: criteria provided, single submitter. Criteria: ACMG Guidelines, 2015. Collection method: clinical testing. Allele origin: germline. Affected: no.

Genome-Nilou Lab
Classification: Benign for Junctional epidermolysis bullosa gravis of Herlitz. Last evaluated: 2021-07-08. Review status: criteria provided, single submitter. Criteria: ACMG Guidelines, 2015. Collection method: clinical testing. Allele origin: germline. Affected: no.

Genome-Nilou Lab
Classification: Benign for Junctional epidermolysis bullosa, non-Herlitz type. Last evaluated: 2021-07-08. Review status: criteria provided, single submitter. Criteria: ACMG Guidelines, 2015. Collection method: clinical testing. Allele origin: germline. Affected: no.

Illumina Laboratory Services, Illumina
Classification: Benign for Junctional epidermolysis bullosa. Last evaluated: 2018-01-12. Review status: criteria provided, single submitter. Criteria: ICSL Variant Classification Criteria 13 December 2019. Collection method: clinical testing. Allele origin: germline.
Comment: This variant was observed in the ICSL laboratory as part of a predisposition screen in an ostensibly healthy population. It had not been previously curated by ICSL or reported in the Human Gene Mutation Database (HGMD: prior to June 1st, 2018), and was therefore a candidate for classification through an automated scoring system. Utilizing variant allele frequency, disease prevalence and penetrance estimates, and inheritance mode, an automated score was calculated to assess if this variant is too frequent to cause the disease. Based on the score and internal cut-off values, a variant classified as benign is not then subjected to further curation. The score for this variant resulted in a classification of benign for this disease.

GeneDx
Classification: Benign. Last evaluated: 2015-03-03. Review status: criteria provided, single submitter. Criteria: GeneDx Variant Classification Process June 2021. Collection method: clinical testing. Allele origin: germline. Affected: yes.

Breakthrough Genomics
Classification: Benign. Review status: criteria provided, single submitter. Criteria: ACMG Guidelines, 2015. Collection method: not provided. Allele origin: germline. Inheritance: Autosomal recessive inheritance. Affected: yes.

NM_000228.3(LAMB3):c.1764T>C (p.Tyr588=)

Gene: LAMB3 (laminin subunit beta 3; minus strand). Cytogenetic location: 1q32.2.
Variant type: single nucleotide variant.
Coding change: c.1764T>C on transcript NM_000228.3 (MANE Select); coding-DNA position 1764, T replaced by C.
Protein change: p.Tyr588=; no amino-acid change (tyrosine 588 retained).
Molecular consequence: synonymous variant.
Genome position (GRCh38, 1-based): chr1:209,625,860, A>G on the plus strand (T>C on the coding strand, the complement: LAMB3 is on the minus strand). VCF-style: chr1-209625860-A-G. GRCh37 (hg19) VCF-style: chr1-209799205-A-G.
Other names: c.1764T>C, p.Tyr588= (NM_001017402.2, NM_001127641.1).
Identifiers: ClinVar variation 295099 (VCV000295099.18), dbSNP rs2229465, ClinGen allele CA1375471.